The following is an entry in ClinVar:

NM_201253.3(CRB1):c.1275del (p.Phe425fs)

Gene: CRB1 (crumbs cell polarity complex component 1; plus strand). Cytogenetic location: 1q31.3.
Variant type: Deletion.
Coding change: c.1275del on transcript NM_201253.3 (MANE Select); coding-DNA position 1275, one base deleted (T; older notation c.1275delT).
Protein change: p.Phe425fs; shifts the reading frame from phenylalanine 425.
Molecular consequence: frameshift variant. On other transcripts: non-coding transcript variant (2).
Genome position (GRCh38, 1-based): chr1:197,421,103, T deleted; the last of 3 consecutive T bases (chr1:197,421,101-197,421,103); deleting any one gives the same sequence. VCF-style (leftmost placement, unchanged base first): chr1-197421100-AT-A. GRCh37 (hg19) VCF-style: chr1-197390230-AT-A.
Other names: c.939del, p.Phe313fs (NM_001193640.2); c.1068del, p.Phe356fs (NM_001257965.2); c.1275del, p.Phe425fs (NM_001257966.2); short protein forms F313fs, F356fs, F425fs.
Identifiers: ClinVar variation 1916587 (VCV001916587.6), dbSNP rs2528104500, ClinGen allele CA2580061908.
Genomic context (GRCh38, chr1:197,421,100, plus strand): 5'-CCCTTGCCAAAATGGTGGTACTTGTGAGAACTTGCCTGGGAATTATACTTGCCATTGCCC[AT>A]TTGATAACCTTTCTAGAACTTTTTATGGAGGAAGGGACTGTTCTGATATTCTCCTGGGCT-3'

ClinVar aggregate classification (germline): Pathogenic/Likely pathogenic. Review status: criteria provided, multiple submitters, no conflicts (2 of 4 stars). 2 submissions from 2 submitters: Pathogenic (1); Likely pathogenic (1). Last evaluated 2023-08-12.

Conditions:
Leber congenital amaurosis 8 (LCA8). Identifiers: Orphanet 65, MedGen C3151202, MONDO:0013453, OMIM 613835.
Retinitis pigmentosa 12 (RP12). Also called: RP WITH OR WITHOUT PRESERVED PARAARTERIOLE RETINAL PIGMENT EPITHELIUM; RETINITIS PIGMENTOSA WITH OR WITHOUT PARAARTERIOLAR PRESERVATION OF RETINAL PIGMENT EPITHELIUM; RP WITH OR WITHOUT PPRPE. Identifiers: Orphanet 791, MedGen C1838647, MONDO:0010818, OMIM 600105.

Submissions (2):

Baylor Genetics
Classification: Likely pathogenic for Leber congenital amaurosis 8. Last evaluated: 2023-08-12. Review status: criteria provided, single submitter. Criteria: ACMG Guidelines, 2015. Collection method: clinical testing. Allele origin: unknown.

Labcorp Genetics (formerly Invitae), Labcorp
Classification: Pathogenic for Leber congenital amaurosis 8; Retinitis pigmentosa 12. Last evaluated: 2022-05-21. Review status: criteria provided, single submitter. Criteria: Invitae Variant Classification Sherloc (09022015). Collection method: clinical testing. Allele origin: germline.
Comment: This sequence change creates a premature translational stop signal (p.Phe425Leufs*27) in the CRB1 gene. It is expected to result in an absent or disrupted protein product. Loss-of-function variants in CRB1 are known to be pathogenic (PMID: 10508521, 22065545, 23379534, 25412400, 26957898, 28041643, 29391521). This variant is not present in population databases (gnomAD no frequency). This variant has not been reported in the literature in individuals affected with CRB1-related conditions. For these reasons, this variant has been classified as Pathogenic.

Literature cited by the submitters: PubMed 10508521 (cited by Labcorp Genetics (formerly Invitae), Labcorp); PubMed 22065545 (cited by Labcorp Genetics (formerly Invitae), Labcorp); PubMed 23379534 (cited by Labcorp Genetics (formerly Invitae), Labcorp); PubMed 25412400 (cited by Labcorp Genetics (formerly Invitae), Labcorp); PubMed 26957898 (cited by Labcorp Genetics (formerly Invitae), Labcorp); PubMed 28041643 (cited by Labcorp Genetics (formerly Invitae), Labcorp); PubMed 29391521 (cited by Labcorp Genetics (formerly Invitae), Labcorp).